The following is an entry in ClinVar:

ClinVar aggregate classification (germline): Uncertain significance (1 of 4 stars; one submission).

Allele frequency attached by ClinVar (database versions not stated): gnomAD 0.00006 and 0.00008; ESP Exome Variant Server 0.00008; TOPMed 0.00008.
gnomAD v4.1: 246 of 1,614,026 alleles (0.015%); highest among the groups gnomAD compares: South Asian, 0.11%; no homozygotes.

Submission:

Labcorp Genetics (formerly Invitae), Labcorp
Classification: Uncertain significance. Last evaluated: 2025-09-10. Review status: criteria provided, single submitter. Criteria: Invitae Variant Classification Sherloc (09022015). Collection method: clinical testing. Allele origin: germline.
Comment: This sequence change replaces methionine, which is neutral and non-polar, with isoleucine, which is neutral and non-polar, at codon 697 of the CSF2RB protein (p.Met697Ile). This variant is present in population databases (rs138676111, gnomAD 0.1%), and has an allele count higher than expected for a pathogenic variant. This variant has not been reported in the literature in individuals affected with CSF2RB-related conditions. ClinVar contains an entry for this variant (Variation ID: 1346026). Invitae Evidence Modeling of protein sequence and biophysical properties (such as structural, functional, and spatial information, amino acid conservation, physicochemical variation, residue mobility, and thermodynamic stability) indicates that this missense variant is not expected to disrupt CSF2RB protein function with a negative predictive value of 80%. In summary, the available evidence is currently insufficient to determine the role of this variant in disease. Therefore, it has been classified as a Variant of Uncertain Significance.

NM_000395.3(CSF2RB):c.2091G>A (p.Met697Ile)

Gene: CSF2RB (colony stimulating factor 2 receptor subunit beta; plus strand). Cytogenetic location: 22q12.3.
Variant type: single nucleotide variant.
Coding change: c.2091G>A on transcript NM_000395.3 (MANE Select); coding-DNA position 2091, G replaced by A.
Protein change: p.Met697Ile; replaces methionine 697 with isoleucine.
Molecular consequence: missense variant.
Genome position (GRCh38, 1-based): chr22:36,937,899, G>A. VCF-style: chr22-36937899-G-A. GRCh37 (hg19) VCF-style: chr22-37333941-G-A.
Other names: short protein forms M697I.
Identifiers: ClinVar variation 1346026 (VCV001346026.8), dbSNP rs138676111, ClinGen allele CA10214035.
Genomic context (GRCh38, chr22:36,937,899, plus strand): 5'-TGCTCTTGGGCCAAGGGTGGGAGGACAGGACCAAAAGGACAGCCCTGTGGCTATACCCAT[G>A]AGCTCTGGGGACACTGAGGACCCTGGAGTGGCCTCTGGTTATGTCTCCTCTGCAGACCTG-3'
Protein context (NP_000386.1, residues 687-707): DQKDSPVAIP[Met697Ile]SSGDTEDPGV